The following is an entry in ClinVar:

NM_031407.7(HUWE1):c.8206+7C>T

Gene: HUWE1 (HECT, UBA and WWE domain containing E3 ubiquitin protein ligase 1; minus strand). Cytogenetic location: Xp11.22.
Variant type: single nucleotide variant.
Coding change: c.8206+7C>T on transcript NM_031407.7 (MANE Select); 7 bases into the intron after coding-DNA position 8206, C replaced by T.
Molecular consequence: intron variant.
Genome position (GRCh38, 1-based): chrX:53,557,375, G>A on the plus strand (C>T on the coding strand, the complement: HUWE1 is on the minus strand). VCF-style: chrX-53557375-G-A. GRCh37 (hg19) VCF-style: chrX-53584336-G-A.
Other names: c.8203+7C>T (NM_001441048.1, NM_001441051.1, NM_001441053.1 and 2 more transcripts); c.8206+7C>T (NM_001441049.1, NM_001441054.1, NM_001441057.1); c.8227+7C>T (NM_001441050.1, NM_001441055.1); c.7804+7C>T (NM_001441052.1).
Identifiers: ClinVar variation 4982022 (VCV004982022.1).

ClinVar aggregate classification (germline): Likely benign (1 of 4 stars; one submission).

Conditions:
HUWE1-related disorder. Also called: HUWE1-related condition.

Submission:

PreventionGenetics, part of Exact Sciences
Classification: Likely benign for HUWE1-related condition. Last evaluated: 2025-02-12. Review status: criteria provided, single submitter. Criteria: ACMG Guidelines, 2015. Collection method: clinical testing. Allele origin: germline.
Comment: This variant is classified as likely benign based on ACMG/AMP sequence variant interpretation guidelines (Richards et al. 2015 PMID: 25741868, with internal and published modifications).